The following is an entry in ClinVar:

ClinVar aggregate classification (germline): Uncertain significance. Review status: criteria provided, multiple submitters, no conflicts (2 of 4 stars). 2 submissions from 2 submitters: Uncertain significance (2). Last evaluated 2025-12-09.

Conditions:
Birt-Hogg-Dube syndrome. Also called: Birt Hogg Dubé syndrome. Identifiers: Orphanet 122, MedGen C0346010, MONDO:0800444.
Hereditary cancer-predisposing syndrome. Also called: Tumor predisposition; Neoplastic Syndromes, Hereditary; Hereditary Cancer Syndrome; Hereditary neoplastic syndrome. Identifiers: Orphanet 140162, MedGen C0027672, MeSH D009386, MONDO:0015356.

Submissions (2):

Ambry Genetics
Classification: Uncertain significance for Hereditary cancer-predisposing syndrome. Last evaluated: 2025-12-09. Review status: criteria provided, single submitter. Criteria: Ambry Variant Classification Scheme 2023. Collection method: clinical testing. Allele origin: germline.
Comment: The p.Q373E variant (also known as c.1117C>G), located in coding exon 7 of the FLCN gene, results from a C to G substitution at nucleotide position 1117. The glutamine at codon 373 is replaced by glutamic acid, an amino acid with highly similar properties. This amino acid position is conserved. In addition, this alteration is predicted to be deleterious by in silico analysis. Based on the available evidence, the clinical significance of this variant remains unclear.

Labcorp Genetics (formerly Invitae), Labcorp
Classification: Uncertain significance for Birt-Hogg-Dube syndrome. Last evaluated: 2025-07-02. Review status: criteria provided, single submitter. Criteria: Invitae Variant Classification Sherloc (09022015). Collection method: clinical testing. Allele origin: germline.
Comment: This sequence change replaces glutamine, which is neutral and polar, with glutamic acid, which is acidic and polar, at codon 373 of the FLCN protein (p.Gln373Glu). This variant is not present in population databases (gnomAD no frequency). This variant has not been reported in the literature in individuals affected with FLCN-related conditions. ClinVar contains an entry for this variant (Variation ID: 2586493). Invitae Evidence Modeling of protein sequence and biophysical properties (such as structural, functional, and spatial information, amino acid conservation, physicochemical variation, residue mobility, and thermodynamic stability) indicates that this missense variant is expected to disrupt FLCN protein function with a positive predictive value of 80%. In summary, the available evidence is currently insufficient to determine the role of this variant in disease. Therefore, it has been classified as a Variant of Uncertain Significance.

NM_144997.7(FLCN):c.1117C>G (p.Gln373Glu)

Gene: FLCN (folliculin; minus strand). Cytogenetic location: 17p11.2.
Variant type: single nucleotide variant.
Coding change: c.1117C>G on transcript NM_144997.7 (MANE Select); coding-DNA position 1117, C replaced by G.
Protein change: p.Gln373Glu; replaces glutamine 373 with glutamic acid.
Molecular consequence: missense variant.
Genome position (GRCh38, 1-based): chr17:17,217,128, G>C on the plus strand (C>G on the coding strand, the complement: FLCN is on the minus strand). VCF-style: chr17-17217128-G-C. GRCh37 (hg19) VCF-style: chr17-17120442-G-C.
Other names: c.1171C>G, p.Gln391Glu (NM_001353229.2); c.1117C>G, p.Gln373Glu (NM_001353230.2, NM_001353231.2); short protein forms Q373E, Q391E.
Identifiers: ClinVar variation 2586493 (VCV002586493.4), dbSNP rs398124524, ClinGen allele CA398532294.